The following is an entry in ClinVar:

NM_006939.4(SOS2):c.3337+207A>G

Gene: SOS2 (SOS Ras/Rho guanine nucleotide exchange factor 2; minus strand). Cytogenetic location: 14q21.3.
Variant type: single nucleotide variant.
Coding change: c.3337+207A>G on transcript NM_006939.4 (MANE Select); 207 bases into the intron after coding-DNA position 3337, A replaced by G.
Molecular consequence: intron variant.
Genome position (GRCh38, 1-based): chr14:50,130,294, T>C on the plus strand (A>G on the coding strand, the complement: SOS2 is on the minus strand). VCF-style: chr14-50130294-T-C. GRCh37 (hg19) VCF-style: chr14-50597012-T-C.
Other names: NC_000014.8:g.50597012T>C.
Identifiers: ClinVar variation 561524 (VCV000561524.2), dbSNP rs1955930, ClinGen allele CA15802479.

ClinVar aggregate classification (germline): Benign (1 of 4 stars; one submission).

Allele frequency attached by ClinVar (database versions not stated): 1000 Genomes Project 30x 0.53014; 1000 Genomes Project 0.53015; gnomAD 0.60283 and 0.60520; TOPMed 0.60569.
gnomAD v4.1: 91,769 of 151,998 alleles (60%); highest among the groups gnomAD compares: Non-Finnish European, 68%; 28,350 homozygotes.

Submissions (5):

GeneDx
Classification: Benign. Last evaluated: 2018-06-14. Review status: criteria provided, single submitter. Criteria: GeneDx Variant Classification (06012015). Collection method: clinical testing. Allele origin: germline. Affected: yes.
Comment: This variant is considered likely benign or benign based on one or more of the following criteria: it is a conservative change, it occurs at a poorly conserved position in the protein, it is predicted to be benign by multiple in silico algorithms, and/or has population frequency not consistent with disease.

Dr. Peter K. Rogan Lab, Western University
No classification provided (evidence only). Condition: Hepatocellular carcinoma. Review status: no classification provided. Collection method: in vitro. Allele origin: not applicable. Functional consequence: retained intron. Not counted in ClinVar's aggregate classification.

Dr. Peter K. Rogan Lab, Western University
No classification provided (evidence only). Condition: Hepatocellular carcinoma. Review status: no classification provided. Collection method: in vitro. Allele origin: not applicable. Functional consequence: retained intron. Not counted in ClinVar's aggregate classification.

Dr. Peter K. Rogan Lab, Western University
No classification provided (evidence only). Condition: Gastric cancer. Review status: no classification provided. Collection method: in vitro. Allele origin: not applicable. Functional consequence: retained intron. Not counted in ClinVar's aggregate classification.

Dr. Peter K. Rogan Lab, Western University
No classification provided (evidence only). Condition: Uterine carcinosarcoma. Review status: no classification provided. Collection method: in vitro. Allele origin: not applicable. Functional consequence: retained intron. Not counted in ClinVar's aggregate classification.